The following is an entry in ClinVar:

NM_000492.4(CFTR):c.2252G>T (p.Arg751Leu)

Gene: CFTR (CF transmembrane conductance regulator; plus strand). Cytogenetic location: 7q31.2.
Variant type: single nucleotide variant.
Coding change: c.2252G>T on transcript NM_000492.4 (MANE Select); coding-DNA position 2252, G replaced by T.
Protein change: p.Arg751Leu; replaces arginine 751 with leucine.
Molecular consequence: missense variant.
Genome position (GRCh38, 1-based): chr7:117,592,419, G>T. VCF-style: chr7-117592419-G-T. GRCh37 (hg19) VCF-style: chr7-117232473-G-T.
Other names: short protein forms R751L.
Identifiers: ClinVar variation 235245 (VCV000235245.27), dbSNP rs397508357, ClinGen allele CA10581251.

ClinVar aggregate classification (germline): Conflicting classifications of pathogenicity. Review status: criteria provided, conflicting classifications (1 of 4 stars). 10 submissions from 9 submitters: Likely pathogenic (3); Uncertain significance (6). 1 of the submissions does not count toward it. Last evaluated 2025-12-29.

Conditions:
CFTR-related disorder (CFTR-RD). Also called: CFTR-related disorders; CFTR-related condition. Identifiers: MedGen C5924204, MONDO:7770004.
Congenital bilateral aplasia of vas deferens from CFTR mutation (CBAVD). Identifiers: Orphanet 48, MedGen C0403814, MONDO:0010178, OMIM 277180. Disease mechanism: loss of function.
Bronchiectasis with or without elevated sweat chloride 1 (BESC1). Also called: Cystic Fibrosis-Like Syndrome. Identifiers: Orphanet 60033, MedGen C2749757, MONDO:0008887, OMIM 211400.
Cystic fibrosis (CF). Also called: MUCOVISCIDOSIS. Identifiers: Orphanet 586, MedGen C0010674, MONDO:0009061, OMIM 219700. Disease mechanism: loss of function.

gnomAD v4.1: 14 of 1,612,648 alleles (0.00087%); highest among the groups gnomAD compares: Non-Finnish European, 0.0012%; no homozygotes.

Submissions (10):

Natera, Inc.
Classification: Likely pathogenic for CFTR-related disorders. Last evaluated: 2025-12-29. Review status: criteria provided, single submitter. Criteria: Natera Variant Classification Schema (03/2026). Collection method: clinical testing. Allele origin: germline.
Comment: The c.2252G>T variant in CFTR is a missense variant predicted to cause substitution of arginine to leucine at amino acid 751. This variant is rare in the general population with a frequency below the threshold expected for the associated phenotype(s). This variant has been observed in one or more individuals affected with the associated recessive disease, as either homozygous or compound heterozygous with a second variant (PMID: 33296276, 19318346, 38352056). Additionally, this variant has been observed to segregate in affected family members (PMID: 33296276). Given the available evidence, this variant is classified as Likely Pathogenic.

Women's Health and Genetics/Laboratory Corporation of America, LabCorp
Classification: Uncertain significance. Last evaluated: 2025-05-06. Review status: criteria provided, single submitter. Criteria: LabCorp Variant Classification Summary - May 2015. Collection method: clinical testing. Allele origin: germline.
Comment: Variant summary: CFTR c.2252G>T (p.Arg751Leu) results in a non-conservative amino acid change in the encoded protein sequence. Three of five in-silico tools predict a damaging effect of the variant on protein function. The variant allele was found at a frequency of 4e-06 in 249372 control chromosomes (gnomAD). The available data on variant occurrences in the general population are insufficient to allow any conclusion about variant significance. c.2252G>T has been reported in the literature in individuals affected with Cystic Fibrosis who were reported as compound heterozygous with pathogenic variants (e.g. Goubau_2009, Coffey_2017, Haq_2021). These reports do not provide unequivocal conclusions about association of the variant with Cystic Fibrosis. At least one publication reports experimental evidence evaluating an impact on protein function. These results showed no damaging effect of this variant (Haq_2021, Bihler_2024). The following publications have been ascertained in the context of this evaluation (PMID: 38388235, 27837951, 38352056, 19318346, 33296276). ClinVar contains an entry for this variant (Variation ID: 235245). Based on the evidence outlined above, the variant was classified as VUS-possibly pathogenic.

Ambry Genetics
Classification: Uncertain significance for Cystic fibrosis. Last evaluated: 2025-03-13. Review status: criteria provided, single submitter. Criteria: Ambry Variant Classification Scheme 2023. Collection method: clinical testing. Allele origin: germline.
Comment: The p.R751L variant (also known as c.2252G>T), located in coding exon 14 of the CFTR gene, results from a G to T substitution at nucleotide position 2252. The arginine at codon 751 is replaced by leucine, an amino acid with dissimilar properties. This alteration, along with the deltaF508 pathogenic mutation, was described in an individual who presented with pancreatic sufficient cystic fibrosis. However, information if this alteration was in cis or trans with deltaF508 was not available (Goubau C et al. Thorax 2009; 64:683-91). Functional studies demonstrated that this variant is functional and biochemical responses were similar to the wildtype CFTR protein level (Haq IJ et al. Am J Physiol Lung Cell Mol Physiol, 2021 Feb;320:L288-L300). This amino acid position is well conserved in available vertebrate species. In addition, this alteration is predicted to be deleterious by in silico analysis. Based on the available evidence, the clinical significance of this variant remains unclear.

Labcorp Genetics (formerly Invitae), Labcorp
Classification: Uncertain significance for Cystic fibrosis. Last evaluated: 2023-12-19. Review status: criteria provided, single submitter. Criteria: Invitae Variant Classification Sherloc (09022015). Collection method: clinical testing. Allele origin: germline.
Comment: This sequence change replaces arginine, which is basic and polar, with leucine, which is neutral and non-polar, at codon 751 of the CFTR protein (p.Arg751Leu). The frequency data for this variant in the population databases is considered unreliable, as metrics indicate poor data quality at this position in the gnomAD database. This missense change has been observed in individual(s) with CFTR-related conditions (PMID: 19318346, 33296276). ClinVar contains an entry for this variant (Variation ID: 235245). Advanced modeling of protein sequence and biophysical properties (such as structural, functional, and spatial information, amino acid conservation, physicochemical variation, residue mobility, and thermodynamic stability) has been performed at Invitae for this missense variant, however the output from this modeling did not meet the statistical confidence thresholds required to predict the impact of this variant on CFTR protein function. Experimental studies are conflicting or provide insufficient evidence to determine the effect of this variant on CFTR function (PMID: 33296276). In summary, the available evidence is currently insufficient to determine the role of this variant in disease. Therefore, it has been classified as a Variant of Uncertain Significance.

Baylor Genetics
Classification: Likely pathogenic for Bronchiectasis with or without elevated sweat chloride 1. Last evaluated: 2023-09-27. Review status: criteria provided, single submitter. Criteria: ACMG Guidelines, 2015. Collection method: clinical testing. Allele origin: unknown.

Genome-Nilou Lab
Classification: Uncertain significance for Cystic fibrosis. Last evaluated: 2021-07-22. Review status: criteria provided, single submitter. Criteria: ACMG Guidelines, 2015. Collection method: clinical testing. Allele origin: germline. Affected: no.

Genome-Nilou Lab
Classification: Uncertain significance for Congenital bilateral aplasia of vas deferens from CFTR mutation. Last evaluated: 2021-07-22. Review status: criteria provided, single submitter. Criteria: ACMG Guidelines, 2015. Collection method: clinical testing. Allele origin: germline. Affected: no.

ARUP Laboratories, Molecular Genetics and Genomics, ARUP Laboratories
Classification: Uncertain significance. Last evaluated: 2019-06-26. Review status: criteria provided, single submitter. Criteria: ARUP Molecular Germline Variant Investigation Process. Collection method: clinical testing. Allele origin: germline.
Comment: The CFTR c.2252G>T; p.Arg751Leu variant (rs397508357) is reported in the literature in an individual affected with pancreatic-sufficient cystic fibrosis that also carried the pathogenic p.Phe508del variant (Goubau 2009). This variant is absent from general population databases (Exome Variant Server, Genome Aggregation Database), indicating it is not a common polymorphism. The arginine at codon 751 is moderately conserved and computational analyses (SIFT: damaging, PolyPhen-2: benign) predict conflicting effects of this variant on protein structure/function. However, given the lack of clinical and functional data, the significance of the p.Arg751Leu variant is uncertain at this time. References: Goubau C et al. Phenotypic characterisation of patients with intermediate sweat chloride values: towards validation of the European diagnostic algorithm for cystic fibrosis. Thorax. 2009 Aug;64(8):683-91.

Center for Pediatric Genomic Medicine, Children's Mercy Hospital and Clinics
Classification: Likely pathogenic. Last evaluated: 2015-03-30. Review status: criteria provided, single submitter. Criteria: ACMG Guidelines, 2015. Collection method: clinical testing. Allele origin: germline.

Counsyl
Classification: Uncertain significance for Cystic fibrosis. Last evaluated: 2018-02-21. Review status: no assertion criteria provided. Collection method: clinical testing. Allele origin: unknown. Not counted in ClinVar's aggregate classification.

Literature cited by the submitters: PubMed 33296276 (cited by 4 submitters); PubMed 19318346 (cited by 5 submitters); PubMed 38352056 (cited by Natera, Inc. and Women's Health and Genetics/Laboratory Corporation of America, LabCorp); PubMed 27837951 (cited by Women's Health and Genetics/Laboratory Corporation of America, LabCorp); PubMed 38388235 (cited by Women's Health and Genetics/Laboratory Corporation of America, LabCorp).